The following is an entry in ClinVar:

NM_007294.4(BRCA1):c.1497_1509del (p.Asn500fs)

Gene: BRCA1 (BRCA1 DNA repair associated; minus strand). Cytogenetic location: 17q21.31.
Variant type: Deletion.
Coding change: c.1497_1509del on transcript NM_007294.4 (MANE Select); coding-DNA positions 1497 to 1509, 13 bases deleted (AAATAAATTAAAG).
Protein change: p.Asn500fs; shifts the reading frame from asparagine 500.
Molecular consequence: frameshift variant. On other transcripts: intron variant (137).
Genome position (GRCh38, 1-based): chr17:43,094,022-43,094,034, CTTTAATTTATTT deleted on the plus strand (AAATAAATTAAAG on the coding strand, the reverse complement: BRCA1 is on the minus strand). VCF-style (leftmost placement, unchanged base first): chr17-43094021-GCTTTAATTTATTT-G. GRCh37 (hg19) VCF-style: chr17-41246038-GCTTTAATTTATTT-G.
Other names: 1616del13bp; c.1353_1365del, p.Asn452fs (NM_001407742.1, NM_001407743.1, NM_001407744.1 and 20 more transcripts); c.1356_1368del, p.Asn453fs (NM_001407750.1, NM_001407751.1, NM_001407752.1 and 29 more transcripts); c.1284_1296del, p.Asn429fs (NM_001407853.1, NM_001407894.1, NM_001407895.1 and 9 more transcripts); c.1497_1509del, p.Asn500fs (NM_001407854.1, NM_001407858.1, NM_001407859.1 and 30 more transcripts); c.1494_1506del, p.Asn499fs (NM_001407860.1, NM_001407861.1, NM_001407587.1 and 22 more transcripts); c.1296_1308del, p.Asn433fs (NM_001407862.1); c.1374_1386del, p.Asn459fs (NM_001407863.1, NM_001407919.1, NM_001407937.1 and 19 more transcripts); and 42 more; short protein forms N453fs, N500fs, N388fs, N412fs, N432fs, N373fs, N389fs, N411fs.
Identifiers: ClinVar variation 266169 (VCV000266169.13), dbSNP rs886039954, ClinGen allele CA10589933.
Genomic context (GRCh38, chr17:43,094,021, plus strand): 5'-CCAAATCTGCTTTCTTGATAAAATCCTCAGGATGAAGGCCTGATGTAGGTCTCCTTTTAC[GCTTTAATTTATTT>G]GTGAGGGGACGCTCTTGTATTATCTGTGGCTCAGTAACAAATGCTCCTATAATTAGATTT-3'

ClinVar aggregate classification (germline): Pathogenic. Review status: reviewed by expert panel (3 of 4 stars). 3 submissions from 3 submitters: Pathogenic (1). 2 of the submissions do not count toward it. Last evaluated 2016-10-18.

Conditions:
Hereditary breast ovarian cancer syndrome. Also called: Hereditary breast and ovarian cancer syndrome (HBOC); Breast and ovarian cancer; Hereditary breast and ovarian cancer syndrome; Hereditary breast and ovarian cancer; BRCA1- and BRCA2-Associated Hereditary Breast and Ovarian Cancer; Hereditary breast and/or ovarian cancer syndrome. Identifiers: Orphanet 145, MedGen C0677776, MeSH D061325, MONDO:0003582. Disease mechanism: loss of function.
Breast-ovarian cancer, familial, susceptibility to, 1 (BROVCA1). Also called: BRCA1 Hereditary Breast and Ovarian Cancer; OVARIAN CANCER, SUSCEPTIBILITY TO. Identifiers: Orphanet 145, MedGen C2676676, MONDO:0011450, OMIM 604370. Disease mechanism: loss of function.

Submissions (3):

Evidence-based Network for the Interpretation of Germline Mutant Alleles (ENIGMA)
Classification: Pathogenic for Breast-ovarian cancer, familial, susceptibility to, 1. Last evaluated: 2016-10-18. Review status: reviewed by expert panel. Criteria: ENIGMA BRCA1/2 Classification Criteria (2015). Collection method: curation. Allele origin: germline.
Comment: Variant allele predicted to encode a truncated non-functional protein.

Labcorp Genetics (formerly Invitae), Labcorp
Classification: Pathogenic for Hereditary breast ovarian cancer syndrome. Last evaluated: 2024-07-08. Review status: criteria provided, single submitter. Criteria: Invitae Variant Classification Sherloc (09022015). Collection method: clinical testing. Allele origin: germline. Not counted in ClinVar's aggregate classification.
Comment: This sequence change creates a premature translational stop signal (p.Asn500Valfs*28) in the BRCA1 gene. It is expected to result in an absent or disrupted protein product. Loss-of-function variants in BRCA1 are known to be pathogenic (PMID: 20104584). This variant is not present in population databases (gnomAD no frequency). This premature translational stop signal has been observed in individual(s) with BRCA1-related conditions (PMID: 21520333). ClinVar contains an entry for this variant (Variation ID: 266169). For these reasons, this variant has been classified as Pathogenic.

Institute of Human Genetics, University of Leipzig Medical Center
Classification: Pathogenic for Breast-ovarian cancer, familial, susceptibility to, 1. Last evaluated: 2021-08-17. Review status: criteria provided, single submitter. Criteria: ACMG Guidelines, 2015. Collection method: clinical testing. Allele origin: unknown. Affected: yes. Not counted in ClinVar's aggregate classification.

Literature cited by the submitters: PubMed 20104584 (cited by Labcorp Genetics (formerly Invitae), Labcorp); PubMed 21520333 (cited by Labcorp Genetics (formerly Invitae), Labcorp).